The following is an entry in ClinVar:

ClinVar aggregate classification (germline): Uncertain significance (1 of 4 stars; one submission).

gnomAD v4.1: 1 of 1,614,122 alleles (0.000062%); highest among the groups gnomAD compares: Admixed American, 0.0017%; no homozygotes.

Submission:

Labcorp Genetics (formerly Invitae), Labcorp
Classification: Uncertain significance. Last evaluated: 2022-08-23. Review status: criteria provided, single submitter. Criteria: Invitae Variant Classification Sherloc (09022015). Collection method: clinical testing. Allele origin: germline.
Comment: This variant has not been reported in the literature in individuals affected with ARHGEF10-related conditions. This variant is present in population databases (no rsID available, gnomAD 0.003%). This sequence change replaces threonine, which is neutral and polar, with lysine, which is basic and polar, at codon 304 of the ARHGEF10 protein (p.Thr304Lys). Algorithms developed to predict the effect of missense changes on protein structure and function are either unavailable or do not agree on the potential impact of this missense change (SIFT: "Deleterious"; PolyPhen-2: "Probably Damaging"; Align-GVGD: "Class C0"). In summary, the available evidence is currently insufficient to determine the role of this variant in disease. Therefore, it has been classified as a Variant of Uncertain Significance.

NM_014629.4(ARHGEF10):c.911C>A (p.Thr304Lys)

Gene: ARHGEF10 (Rho guanine nucleotide exchange factor 10; plus strand). Cytogenetic location: 8p23.3.
Variant type: single nucleotide variant.
Coding change: c.911C>A on transcript NM_014629.4 (MANE Select); coding-DNA position 911, C replaced by A.
Protein change: p.Thr304Lys; replaces threonine 304 with lysine.
Molecular consequence: missense variant. On other transcripts: intron variant (1).
Genome position (GRCh38, 1-based): chr8:1,880,115, C>A. VCF-style: chr8-1880115-C-A. GRCh37 (hg19) VCF-style: chr8-1828281-C-A.
Other names: c.914C>A, p.Thr305Lys (NM_001308153.3); c.847-2520C>A (NM_001308152.2); short protein forms T329K, T304K, T305K.
Identifiers: ClinVar variation 1937805 (VCV001937805.5), dbSNP rs752299513, ClinGen allele CA369956450.